The following is an entry in ClinVar:

NM_000303.3(PMM2):c.459A>G (p.Ile153Met)

Gene: PMM2 (phosphomannomutase 2; plus strand). Cytogenetic location: 16p13.2.
Variant type: single nucleotide variant.
Coding change: c.459A>G on transcript NM_000303.3 (MANE Select); coding-DNA position 459, A replaced by G.
Protein change: p.Ile153Met; replaces isoleucine 153 with methionine.
Molecular consequence: missense variant.
Genome position (GRCh38, 1-based): chr16:8,811,649, A>G. VCF-style: chr16-8811649-A-G. GRCh37 (hg19) VCF-style: chr16-8905506-A-G.
Other names: short protein forms I153M.
Identifiers: ClinVar variation 2780329 (VCV002780329.3), dbSNP rs2549147293, ClinGen allele CA394696889.
Genomic context (GRCh38, chr16:8,811,649, plus strand): 5'-TTCTAAACTGCAATACAAGAAACAATTGGTATCTTTTTGTTTTTCTCAGAAAGAAAATAT[A>G]AGACAAAAGTTTGTAGCAGATCTACGGAAAGAGTTTGCTGGAAAAGGCCTCACGTTTTCC-3'
Protein context (NP_000294.1, residues 143-163): EFYELDKKEN[Ile153Met]RQKFVADLRK

ClinVar aggregate classification (germline): Likely pathogenic (1 of 4 stars; one submission).

Conditions:
PMM2-congenital disorder of glycosylation. Also called: PHOSPHOMANNOMUTASE 2 DEFICIENCY; CARBOHYDRATE-DEFICIENT GLYCOPROTEIN SYNDROME, TYPE Ia; CDG Ia; JAEKEN SYNDROME; Congenital disorder of glycosylation, type Ia; PMM2-CDG. Identifiers: Orphanet 79318, MedGen C0349653, MONDO:0008907, OMIM 212065.

Submission:

Labcorp Genetics (formerly Invitae), Labcorp
Classification: Likely pathogenic for PMM2-congenital disorder of glycosylation. Last evaluated: 2022-12-18. Review status: criteria provided, single submitter. Criteria: Invitae Variant Classification Sherloc (09022015). Collection method: clinical testing. Allele origin: germline.
Comment: Advanced modeling of protein sequence and biophysical properties (such as structural, functional, and spatial information, amino acid conservation, physicochemical variation, residue mobility, and thermodynamic stability) performed at Invitae indicates that this missense variant is expected to disrupt PMM2 protein function. In summary, the currently available evidence indicates that the variant is pathogenic, but additional data are needed to prove that conclusively. Therefore, this variant has been classified as Likely Pathogenic. This variant disrupts the p.Ile153 amino acid residue in PMM2. Other variant(s) that disrupt this residue have been determined to be pathogenic (PMID: 11058895, 11156536, 25497157, 26502900; Invitae). This suggests that this residue is clinically significant, and that variants that disrupt this residue are likely to be disease-causing. This missense change has been observed in individual(s) with clinical features of PMM2-congenital disorder of glycosylation (PMID: 33163565). This variant is not present in population databases (gnomAD no frequency). This sequence change replaces isoleucine, which is neutral and non-polar, with methionine, which is neutral and non-polar, at codon 153 of the PMM2 protein (p.Ile153Met).

Literature cited by the submitters: PubMed 11058895; PubMed 11156536; PubMed 25497157; PubMed 26502900; PubMed 33163565.